The following is an entry in ClinVar:

ClinVar aggregate classification (germline): Uncertain significance (1 of 4 stars; one submission).

Conditions:
Hereditary spastic paraplegia 4. Also called: Spastic paraplegia 4, autosomal dominant; Spastic Paraplegia 4; Familial spastic paraplegia autosomal dominant 2. Identifiers: Orphanet 100985, MedGen C1866855, MONDO:0008438, OMIM 182601.

Allele frequency attached by ClinVar (database versions not stated): TOPMed 0.00001.
gnomAD v4.1: 2 of 1,584,644 alleles (0.00013%); highest among the groups gnomAD compares: Non-Finnish European, 0.00017%; no homozygotes.

Submission:

Labcorp Genetics (formerly Invitae), Labcorp
Classification: Uncertain significance for Hereditary spastic paraplegia 4. Last evaluated: 2024-03-15. Review status: criteria provided, single submitter. Criteria: Invitae Variant Classification Sherloc (09022015). Collection method: clinical testing. Allele origin: germline.
Comment: This sequence change replaces cysteine, which is neutral and slightly polar, with serine, which is neutral and polar, at codon 28 of the SPAST protein (p.Cys28Ser). This variant is not present in population databases (gnomAD no frequency). This variant has not been reported in the literature in individuals affected with SPAST-related conditions. ClinVar contains an entry for this variant (Variation ID: 964686). Advanced modeling of protein sequence and biophysical properties (such as structural, functional, and spatial information, amino acid conservation, physicochemical variation, residue mobility, and thermodynamic stability) performed at Invitae indicates that this missense variant is not expected to disrupt SPAST protein function with a negative predictive value of 95%. In summary, the available evidence is currently insufficient to determine the role of this variant in disease. Therefore, it has been classified as a Variant of Uncertain Significance.

NM_014946.4(SPAST):c.83G>C (p.Cys28Ser)

Gene: SPAST (spastin; plus strand). Cytogenetic location: 2p22.3.
Variant type: single nucleotide variant.
Coding change: c.83G>C on transcript NM_014946.4 (MANE Select); coding-DNA position 83, G replaced by C.
Protein change: p.Cys28Ser; replaces cysteine 28 with serine.
Molecular consequence: missense variant.
Genome position (GRCh38, 1-based): chr2:32,063,914, G>C. VCF-style: chr2-32063914-G-C. GRCh37 (hg19) VCF-style: chr2-32288983-G-C.
Other names: c.83G>C, p.Cys28Ser (NM_001363823.2, NM_001363875.2, NM_001377959.1 and 1 more transcripts); short protein forms C28S.
Identifiers: ClinVar variation 964686 (VCV000964686.9), dbSNP rs1676390484, ClinGen allele CA346601326.